The following continues an entry in ClinVar:

NM_000784.4(CYP27A1):c.1183C>T (p.Arg395Cys)

Gene: CYP27A1. ClinVar aggregate classification (germline): Pathogenic/Likely pathogenic. Pathogenic (22); Likely pathogenic (1).

Submissions 8 to 22 of 30:

Variantyx, Inc.
Classification: Pathogenic for Cholestanol storage disease. Last evaluated: 2025-09-24. Review status: criteria provided, single submitter. Criteria: Variantyx Assertion Criteria 2022. Collection method: clinical testing. Allele origin: germline. Inheritance: Autosomal recessive inheritance. Affected: yes.
Comment: This is a nonsynonymous variant in the CYP27A1 gene (OMIM: 606530). Pathogenic variants in this gene have been associated with autosomal recessive cerebrotendinous xanthomatosis. This variant has been reported in the homozygous or compound heterozygous state in several unrelated, affected individuals (PMID: 2019602, 21955034, 26156051, 26906304, 18227423, 20402754) (PM3_Strong). Functional studies have shown that this variant alters CYP27A1 protein function (PMID: 2019602) (PS3_Moderate), and multiple computational algorithms predict a deleterious effect for this variant (REVEL score: 0.911) (PP3). Furthermore, an alternate amino acid change at this position (p.Arg395His) has been previously reported in similarly affected individuals, which suggests that this residue is biologically important (PMID: 8950197, 9790667) (PM5). This variant has a 0.0525% maximum allele frequency in non-founder control populations (PM2). Based on the current evidence, this variant is classified as pathogenic for autosomal recessive cerebrotendinous xanthomatosis.

Blueprint Genetics
Classification: Pathogenic for CYP27A1-related disorders. Last evaluated: 2024-10-15. Review status: criteria provided, single submitter. Criteria: ACMG Guidelines, 2015. Collection method: clinical testing. Allele origin: germline. Affected: yes. Observed: 5 variant alleles.

Women's Health and Genetics/Laboratory Corporation of America, LabCorp
Classification: Pathogenic for Cholestanol storage disease. Last evaluated: 2024-09-10. Review status: criteria provided, single submitter. Criteria: LabCorp Variant Classification Summary - May 2015. Collection method: clinical testing. Allele origin: germline.
Comment: Variant summary: CYP27A1 c.1183C>T (p.Arg395Cys) results in a non-conservative amino acid change in the encoded protein sequence. Five of five in-silico tools predict a damaging effect of the variant on protein function. The variant allele was found at a frequency of 0.00029 in 251236 control chromosomes (gnomAD). This frequency is not significantly higher than estimated for a pathogenic variant in CYP27A1 causing Cerebrotendinous Xanthomatosis (0.00029 vs 0.0011), allowing no conclusion about variant significance. c.1183C>T has been reported in the literature in multiple individuals affected with Cerebrotendinous Xanthomatosis (e.g. Degos_2016). These data indicate that the variant is very likely to be associated with disease. The following publication has been ascertained in the context of this evaluation (PMID: 27084087). ClinVar contains an entry for this variant (Variation ID: 4255). Based on the evidence outlined above, the variant was classified as pathogenic.

Fulgent Genetics
Classification: Pathogenic for Cholestanol storage disease. Last evaluated: 2024-03-21. Review status: criteria provided, single submitter. Criteria: ACMG Guidelines, 2015. Collection method: clinical testing. Allele origin: germline.

Revvity Omics, Revvity
Classification: Pathogenic for Cholestanol storage disease. Last evaluated: 2023-09-05. Review status: criteria provided, single submitter. Criteria: ACMG Guidelines, 2015. Collection method: clinical testing. Allele origin: germline.

Mayo Clinic Laboratories, Mayo Clinic
Classification: Pathogenic. Last evaluated: 2023-05-12. Review status: criteria provided, single submitter. Criteria: ACMG Guidelines, 2015. Collection method: clinical testing. Allele origin: germline. Observed: 1 variant allele.
Comment: PP3, PM3_strong, PS3, PS4_moderate

Laboratorio de Genetica e Diagnostico Molecular, Hospital Israelita Albert Einstein
Classification: Pathogenic for Cholestanol storage disease. Last evaluated: 2022-07-12. Review status: criteria provided, single submitter. Criteria: ACMG Guidelines, 2015. Collection method: clinical testing. Allele origin: germline. Affected: yes. Observed: 1 variant allele.
Comment: ACMG classification criteria: PS3 supporting, PS4 strong, PM3 strong, PP3 supporting

GeneDx
Classification: Pathogenic. Last evaluated: 2022-04-18. Review status: criteria provided, single submitter. Criteria: GeneDx Variant Classification Process June 2021. Collection method: clinical testing. Allele origin: germline. Affected: yes.
Comment: Published functional studies demonstrate a damaging effect; specifically, in vitro functional studies showed no detectable enzyme activity in cells transfected with R362C cDNA (Cali et al., 1991); Known as R362C according to alternate nomenclature; This variant is associated with the following publications: (PMID: 17697869, 10775536, 10430841, 26906304, 25983621, 12933951, 20402754, no PMID, 2019602, 8931710, 11181744, 21645175, 26156051, 21955034, 24746394, 22849591, 18227423, 28894950, 29260356, 31859899, 31980526, 33659184, 34103343, 34426522, 31589614, 33977023)

Victorian Clinical Genetics Services, Murdoch Childrens Research Institute
Classification: Pathogenic for Cholestanol storage disease. Last evaluated: 2022-02-02. Review status: criteria provided, single submitter. Criteria: ACMG Guidelines, 2015. Collection method: clinical testing. Allele origin: germline. Inheritance: Autosomal recessive inheritance. Affected: yes.
Comment: Based on the classification scheme VCGS_Germline_v1.3.4, this variant is classified as Pathogenic. Following criteria are met: 0102 - Loss of function is a known mechanism of disease in this gene and is associated with cerebrotendinous xanthomatosis (MIM#213700). (I) 0106 - This gene is associated with autosomal recessive disease. (I) 0200 - Variant is predicted to result in a missense amino acid change from arginine to cysteine. This variant is also in a splice region (second last coding base of exon 6), however cDNA studies have shown it does not affect splicing (PMID: 25983621). (I) 0251 - This variant is heterozygous. (I) 0304 - Variant is present in gnomAD v2 <0.01 for a recessive condition (80 heterozygotes, 0 homozygotes). (SP) 0309 - Multiple alternative amino acid changes at the same position have been observed in gnomAD (v3) (highest allele count: 14 heterozygotes, 0 homozygotes). (I) 0501 - Missense variant consistently predicted to be damaging by multiple in silico tools or highly conserved with a major amino acid change. (SP) 0600 - Variant is located in the annotated Cytochrome P450 domain (DECIPHER). (I) 0801 - This variant has strong previous evidence of pathogenicity in unrelated individuals. This variant has previously been reported as pathogenic, in either a homozygous or compound heterozygous state, in multiple patients with cerebrotendinous xanthomatosis (ClinVar, PMIDs: 2019602, 21645175, 28324197). (SP) 0901 - This variant has strong evidence for segregation with disease. This variant has been shown to segregate with disease in multiple families (PMIDs: 21645175, 28324197). (SP) 1002 - This variant has moderate functional evidence supporting abnormal protein function. Transfected cells displayed reduced enzyme activity (PMID: 2019602). (SP) 1208 - Inheritance information for this variant is not currently available in this individual. (I) Legend: (SP) - Supporting pathogenic, (I) - Information, (SB) - Supporting benign

New York Genome Center
Classification: Pathogenic for Cholestanol storage disease. Last evaluated: 2021-04-30. Review status: criteria provided, single submitter. Criteria: NYGC Assertion Criteria 2020. Collection method: clinical testing. Allele origin: inherited. Observed: 1 heterozygote. Study: CSER-NYCKidSeq.

Institute of Medical Genetics and Applied Genomics, University Hospital Tübingen
Classification: Pathogenic. Last evaluated: 2020-10-23. Review status: criteria provided, single submitter. Criteria: ACMG Guidelines, 2015. Collection method: clinical testing. Allele origin: germline. Inheritance: Unknown mechanism. Affected: yes.

Myriad Genetics, Inc.
Classification: Pathogenic for Cholestanol storage disease. Last evaluated: 2019-12-26. Review status: criteria provided, single submitter. Criteria: Myriad Women's Health Autosomal Recessive and X-Linked Classification Criteria (2019). Collection method: clinical testing. Allele origin: unknown.
Comment: NM_000784.3(CYP27A1):c.1183C>T(R395C) is classified as pathogenic in the context of cerebrotendinous xanthomatosis. Sources cited for classification include the following: PMID 2019602, 10775536, 21955034 and 21645175. Classification of NM_000784.3(CYP27A1):c.1183C>T(R395C) is based on the following criteria: This is a well-established pathogenic variant in the literature that has been observed more frequently in patients with clinical diagnoses than in healthy populations. Please note: this variant was assessed in the context of healthy population screening.

Eurofins Ntd Llc (ga)
Classification: Pathogenic. Last evaluated: 2018-06-21. Review status: criteria provided, single submitter. Criteria: EGL ClinVar v180209 classification definitions. Collection method: clinical testing. Allele origin: germline. Observed: 7 variant alleles, 6 heterozygotes, 1 homozygote.

Clinical Genetics DNA and cytogenetics Diagnostics Lab, Erasmus MC, Erasmus Medical Center
Classification: Likely pathogenic for Cholestanol storage disease. Last evaluated: 2017-12-08. Review status: criteria provided, single submitter. Criteria: ACGS Guidelines, 2013. Collection method: clinical testing. Allele origin: germline. Affected: yes. Study: VKGL Data-share Consensus.

Illumina Laboratory Services, Illumina
Classification: Pathogenic for Cholestanol storage disease. Last evaluated: 2017-04-28. Review status: criteria provided, single submitter. Criteria: ICSL Variant Classification Criteria 09 May 2019. Collection method: clinical testing. Allele origin: germline.
Comment: Across a selection of the available literature, the CYP27A1 c.1183C>T (p.Arg395Cys) variant has been reported in nine studies in which is found in a total of 20 individuals with cerebrotendinous xanthomatosis, including four in a homozygous state and 16 in a compound heterozygous state, and in at least 18 additional disease alleles of unknown zygosity (Cali et al. 1991; Verrips et al. 2000; Szlago et al. 2008; Pilo-de-la-Fuente et al. 2011; Lionnet et al. 2014; Smally et al. 2015; Varman et al. 2016; Huidekoper et al. 2016; Koopal et al. 2016). The p.Arg395Cys variant was absent from 310 control alleles but is reported at a frequency of 0.00021 in the European (non-Finnish) population of the Exome Aggregation Consortium. Functional studies by Cali et al. (1991) showed the p.Arg395Cys variant had no detectable sterol 27-hydroxylase enzyme activity when expressed in COS-M6 cells. Gupta et al. (2007) demonstrated in COS-1 cells that the variant resulted in lower levels of protein expression and disrupted the heme-binding domain, resulting in an inactive protein. Based on the collective evidence, the p.Arg395Cys variant is classified pathogenic for cerebrotendinous xanthomatosis. This variant was observed by ICSL as part of a predisposition screen in an ostensibly healthy population.